The following is an entry in ClinVar:

ClinVar aggregate classification (germline): Likely benign (1 of 4 stars; one submission).

Allele frequency attached by ClinVar (database versions not stated): gnomAD 0.00011; TOPMed 0.00013; ExAC 0.00031.
gnomAD v4.1: 199 of 1,318,050 alleles (0.015%); highest among the groups gnomAD compares: Admixed American, 0.038%; no homozygotes.

Submission:

CeGaT Center for Human Genetics Tuebingen
Classification: Likely benign. Last evaluated: 2022-04-01. Review status: criteria provided, single submitter. Criteria: CeGaT Center For Human Genetics Tuebingen Variant Classification Criteria Version 2. Collection method: clinical testing. Allele origin: germline. Affected: yes. Observed: 1 variant allele.
Comment: PLXNB2: BP4, BP7

NM_012401.4(PLXNB2):c.3987C>T (p.Leu1329=)

Gene: PLXNB2 (plexin B2; minus strand). Cytogenetic location: 22q13.33.
Variant type: single nucleotide variant.
Coding change: c.3987C>T on transcript NM_012401.4 (MANE Select); coding-DNA position 3987, C replaced by T.
Protein change: p.Leu1329=; no amino-acid change (leucine 1329 retained).
Molecular consequence: synonymous variant.
Genome position (GRCh38, 1-based): chr22:50,280,750, G>A on the plus strand (C>T on the coding strand, the complement: PLXNB2 is on the minus strand). VCF-style: chr22-50280750-G-A. GRCh37 (hg19) VCF-style: chr22-50719179-G-A.
Other names: c.4224C>T, p.Leu1408= (NM_001376864.1); c.4056C>T, p.Leu1352= (NM_001376865.1); c.3987C>T, p.Leu1329= (NM_001376866.1, NM_001376867.1, NM_001376868.1 and 16 more transcripts); c.3963C>T, p.Leu1321= (NM_001376883.1); c.3894C>T, p.Leu1298= (NM_001376886.1).
Identifiers: ClinVar variation 2653375 (VCV002653375.24), dbSNP rs767904616, ClinGen allele CA10312099.